The following is an entry in ClinVar:

ClinVar aggregate classification (germline): Conflicting classifications of pathogenicity. Review status: criteria provided, conflicting classifications (1 of 4 stars). 17 submissions from 17 submitters: Uncertain significance (2); Benign (5); Likely benign (9). 1 of the submissions does not count toward it. Last evaluated 2026-01-24.

Conditions:
STK11-related disorder. Also called: STK11-related condition.
Hereditary cancer-predisposing syndrome. Also called: Tumor predisposition; Neoplastic Syndromes, Hereditary; Hereditary neoplastic syndrome; Hereditary Cancer Syndrome. Identifiers: Orphanet 140162, MedGen C0027672, MeSH D009386, MONDO:0015356.
Ovarian cancer. Also called: OVARIAN CANCER, SOMATIC. Identifiers: Orphanet 213500, MedGen C1140680, MONDO:0008170, OMIM 167000.
Hereditary breast ovarian cancer syndrome. Also called: Hereditary breast and ovarian cancer syndrome; Hereditary breast and ovarian cancer; Hereditary breast and ovarian cancer syndrome (HBOC); Hereditary breast and/or ovarian cancer syndrome; BRCA1- and BRCA2-Associated Hereditary Breast and Ovarian Cancer; Breast and ovarian cancer. Identifiers: Orphanet 145, MedGen C0677776, MeSH D061325, MONDO:0003582. Disease mechanism: loss of function.
Peutz-Jeghers syndrome (PJS). Also called: Peutz-Jeghers polyposis; Periorificial lentiginosis syndrome; POLYPOSIS, HAMARTOMATOUS INTESTINAL; POLYPS-AND-SPOTS SYNDROME. Identifiers: Orphanet 2869, MedGen C0031269, MeSH D010580, MONDO:0008280, OMIM 175200.

Allele frequency attached by ClinVar (database versions not stated): TOPMed 0.00005; gnomAD 0.00006; 1000 Genomes Project 30x 0.00062; 1000 Genomes Project 0.00080.
gnomAD v4.1: 303 of 1,609,376 alleles (0.019%); highest among the groups gnomAD compares: East Asian, 0.62%; 2 homozygotes.

Submissions (17):

Labcorp Genetics (formerly Invitae), Labcorp
Classification: Likely benign for Peutz-Jeghers syndrome. Last evaluated: 2026-01-24. Review status: criteria provided, single submitter. Criteria: Invitae Variant Classification Sherloc (09022015). Collection method: clinical testing. Allele origin: germline.

Dasa
Classification: Likely benign. Last evaluated: 2025-12-02. Review status: criteria provided, single submitter. Criteria: DASA Assertion Criteria. Collection method: clinical testing. Allele origin: germline.
Comment: NM_000455.5(STK11):c.842C>T (p.Pro281Leu) is a missense variant that results in the substitution of proline with leucine. Population frequency is inconsistent with a disease-causing role for this variant, and observations in unaffected individuals support a benign interpretation. Computational prediction algorithms are consistent with a benign effect. Therefore, based on the currently available evidence, this variant is classified as likely benign.

PreventionGenetics, part of Exact Sciences
Classification: Likely benign for STK11-related condition. Last evaluated: 2025-11-18. Review status: criteria provided, single submitter. Criteria: ACMG Guidelines, 2015. Collection method: clinical testing. Allele origin: germline.
Comment: This variant is classified as likely benign based on ACMG/AMP sequence variant interpretation guidelines (Richards et al. 2015 PMID: 25741868, with internal and published modifications).

Center for Genomic Medicine, Rigshospitalet, Copenhagen University Hospital
Classification: Uncertain significance. Last evaluated: 2025-03-04. Review status: criteria provided, single submitter. Criteria: ACMG Guidelines, 2015. Collection method: clinical testing. Allele origin: germline.

Myriad Genetics, Inc.
Classification: Likely benign for Peutz-Jeghers syndrome. Last evaluated: 2025-02-10. Review status: criteria provided, single submitter. Criteria: Myriad Autosomal Dominant, Autosomal Recessive and X-Linked Classification Criteria (2023). Collection method: clinical testing. Allele origin: unknown.
Comment: This variant is considered likely benign. This variant has been observed at a population frequency that is significantly greater than expected given the associated disease prevalence and penetrance.

Mendelics
Classification: Benign for Peutz-Jeghers syndrome. Last evaluated: 2023-08-22. Review status: criteria provided, single submitter. Criteria: Mendelics Assertion Criteria 2019. Collection method: clinical testing. Allele origin: germline.

Quest Diagnostics Nichols Institute San Juan Capistrano
Classification: Benign. Last evaluated: 2022-12-03. Review status: criteria provided, single submitter. Criteria: Quest Diagnostics criteria. Collection method: clinical testing. Allele origin: unknown.

Laboratory of Molecular Epidemiology of Birth Defects, West China Second University Hospital, Sichuan University
Classification: Benign for Ovarian cancer. Last evaluated: 2022-01-01. Review status: criteria provided, single submitter. Criteria: ACMG Guidelines, 2015. Collection method: clinical testing. Allele origin: germline. Affected: yes.

Genome-Nilou Lab
Classification: Likely benign for Peutz-Jeghers syndrome. Last evaluated: 2021-07-15. Review status: criteria provided, single submitter. Criteria: ACMG Guidelines, 2015. Collection method: clinical testing. Allele origin: germline. Affected: no.

Department of Pathology and Laboratory Medicine, Sinai Health System
Classification: Likely benign for Peutz-Jeghers syndrome. Last evaluated: 2021-07-08. Review status: criteria provided, single submitter. Criteria: ACMG Guidelines, 2015. Collection method: clinical testing. Allele origin: germline. Affected: yes.

GeneDx
Classification: Likely benign. Last evaluated: 2021-02-15. Review status: criteria provided, single submitter. Criteria: GeneDx Variant Classification Process June 2021. Collection method: clinical testing. Allele origin: germline. Affected: yes.
Comment: In silico analysis, which includes protein predictors and evolutionary conservation, supports that this variant does not alter protein structure/function; This variant is associated with the following publications: (PMID: 9731485, 14687797, 27751357, 25343854, 17711506, 22723903, 10429654, 18594528, 10676634, 26185002, 21191700, 24857785, 26164066, 19892943, 29338689)

Sema4
Classification: Likely benign for Hereditary cancer-predisposing syndrome. Last evaluated: 2021-02-06. Review status: criteria provided, single submitter. Criteria: Sema4 Curation Guidelines. Collection method: curation. Allele origin: germline.

Color Diagnostics, LLC DBA Color Health
Classification: Benign for Hereditary cancer-predisposing syndrome. Last evaluated: 2020-12-10. Review status: criteria provided, single submitter. Criteria: ACMG Guidelines, 2015. Collection method: clinical testing. Allele origin: germline.

Women's Health and Genetics/Laboratory Corporation of America, LabCorp
Classification: Benign. Last evaluated: 2020-02-07. Review status: criteria provided, single submitter. Criteria: LabCorp Variant Classification Summary - May 2015. Collection method: clinical testing. Allele origin: germline. Inheritance: Autosomal dominant inheritance.
Comment: STK11 c.842C>T (p.Pro281Leu) results in a non-conservative amino acid change located in the Catalytic domain of the encoded protein sequence. Three of five in-silico tools predict a benign effect of the variant on protein function. The variant allele was found at a frequency of 0.00012 in 240870 control chromosomes, predominantly at a frequency of 0.0015 within the East Asian subpopulation in the gnomAD database. The observed variant frequency within East Asian control individuals in the gnomAD database is approximately 240 fold of the estimated maximal expected allele frequency for a pathogenic variant in STK11 causing Peutz-Jeghers Syndrome phenotype (6.3e-06), strongly suggesting that the variant is a benign polymorphism found primarily in populations of East Asian origin. The c.842C>T variant has been reported in the literature in sequencing studies of individuals affected with multiple types of cancers (lung, colon, salivary gland, etc) without confirmation as a germline variant and also in one individual with pancreatic ductal adenocarcinoma as a germline variant (example, Ku_2014, Preusser_2015, Han_2014, Koivunen_2008, Onozato_2007, Jeong_2017, Ohmoto_2016). Additionally a recent Japanese case control association study on 7,051 unselected breast cancer cases and 11,241 female controls showed no association of this variant with breast cancer along with a final assessment as benign (Momozawa_2018). These reports do not provide unequivocal conclusions about association of the variant with Peutz-Jeghers Syndrome or HBOC. At-least two publications report experimental evidence evaluating an impact on protein function, however, none of these studies allows convincing conclusions about the variant effect (example, Zeqiraj_2009, Launonen_2000). Seven clinical diagnostic laboratories have submitted clinical-significance assessments for this variant to ClinVar after 2014 without evidence for independent evaluation. Multiple laboratories reported the variant with conflicting assessments (benign, n=1; likely benign, n=2; VUS, n=4). Based on the evidence outlined above, the variant was re-classified as benign.

Cancer Genomics Group, Japanese Foundation For Cancer Research
Classification: Uncertain significance for Hereditary breast and ovarian cancer syndrome. Last evaluated: 2019-05-01. Review status: criteria provided, single submitter. Criteria: ACMG Guidelines, 2015. Collection method: research. Allele origin: germline. Affected: yes.

Ambry Genetics
Classification: Likely benign for Hereditary cancer-predisposing syndrome. Last evaluated: 2018-12-07. Review status: criteria provided, single submitter. Criteria: Ambry Variant Classification Scheme 2023. Collection method: clinical testing. Allele origin: germline.

Counsyl
Classification: Uncertain significance for Peutz-Jeghers syndrome. Last evaluated: 2017-05-26. Review status: no assertion criteria provided. Collection method: clinical testing. Allele origin: unknown. Not counted in ClinVar's aggregate classification.

Literature cited by the submitters: PubMed 33471991 (cited by Quest Diagnostics Nichols Institute San Juan Capistrano); PubMed 10429654 (cited by Quest Diagnostics Nichols Institute San Juan Capistrano); PubMed 19892943 (cited by Quest Diagnostics Nichols Institute San Juan Capistrano and Women's Health and Genetics/Laboratory Corporation of America, LabCorp); PubMed 30287823 (cited by 3 submitters); PubMed 18594528 (cited by Quest Diagnostics Nichols Institute San Juan Capistrano and Women's Health and Genetics/Laboratory Corporation of America, LabCorp); PubMed 26692440 (cited by 4 submitters); PubMed 10676634 (cited by 5 submitters); PubMed 17711506 (cited by 3 submitters); PubMed 21191700 (cited by Quest Diagnostics Nichols Institute San Juan Capistrano and Counsyl); PubMed 24857785 (cited by Women's Health and Genetics/Laboratory Corporation of America, LabCorp); PubMed 28977883 (cited by Women's Health and Genetics/Laboratory Corporation of America, LabCorp); PubMed 25343854 (cited by Women's Health and Genetics/Laboratory Corporation of America, LabCorp); PubMed 26164066 (cited by Women's Health and Genetics/Laboratory Corporation of America, LabCorp); PubMed 23555315 (cited by Counsyl); PubMed 26837502 (cited by Counsyl).

NM_000455.5(STK11):c.842C>T (p.Pro281Leu)

Gene: STK11 (serine/threonine kinase 11; plus strand). Cytogenetic location: 19p13.3.
Variant type: single nucleotide variant.
Coding change: c.842C>T on transcript NM_000455.5 (MANE Select); coding-DNA position 842, C replaced by T.
Protein change: p.Pro281Leu; replaces proline 281 with leucine.
Molecular consequence: missense variant.
Genome position (GRCh38, 1-based): chr19:1,221,320, C>T. VCF-style: chr19-1221320-C-T. GRCh37 (hg19) VCF-style: chr19-1221319-C-T.
Other names: p.P281L:CCG>CTG; short protein forms P281L.
Identifiers: ClinVar variation 142115 (VCV000142115.43), dbSNP rs121913322, ClinGen allele CA023305.